The following is an entry in ClinVar:

ClinVar aggregate classification (germline): Pathogenic (1 of 4 stars; one submission).

Conditions:
Deafness-lymphedema-leukemia syndrome. Also called: Lymphedema, primary, with myelodysplasia; Emberger syndrome. Identifiers: Orphanet 3226, MedGen C3279664, MONDO:0013540, OMIM 614038.
Monocytopenia with susceptibility to infections. Also called: IMMUNODEFICIENCY 21; MONOCYTOPENIA AND MYCOBACTERIAL INFECTION SYNDROME; MONOCYTOPENIA WITH SUSCEPTIBILITY TO MYCOBACTERIAL, FUNGAL, AND PAPILLOMAVIRUS INFECTIONS AND MYELODYSPLASIA; COMBINED IMMUNODEFICIENCY WITH SUSCEPTIBILITY TO MYCOBACTERIAL, VIRAL, AND FUNGAL INFECTIONS; Dendritic cell, monocyte, B lymphocyte, and natural killer lymphocyte deficiency; GATA2 DEFICIENCY. Identifiers: Orphanet 228423, MedGen C3280030, MONDO:0013607, OMIM 614172.

Submission:

Labcorp Genetics (formerly Invitae), Labcorp
Classification: Pathogenic for Monocytopenia with susceptibility to infections; Deafness-lymphedema-leukemia syndrome. Last evaluated: 2022-08-23. Review status: criteria provided, single submitter. Criteria: Invitae Variant Classification Sherloc (09022015). Collection method: clinical testing. Allele origin: germline.
Comment: This sequence change creates a premature translational stop signal (p.Gln394*) in the GATA2 gene. While this is not anticipated to result in nonsense mediated decay, it is expected to disrupt the last 87 amino acid(s) of the GATA2 protein. This variant is not present in population databases (gnomAD no frequency). This variant has not been reported in the literature in individuals affected with GATA2-related conditions. This variant disrupts a region of the GATA2 protein in which other variant(s) (p.Arg398Gln) have been determined to be pathogenic (PMID: 26710799, 31309983, 33417088). This suggests that this is a clinically significant region of the protein, and that variants that disrupt it are likely to be disease-causing. For these reasons, this variant has been classified as Pathogenic.

Literature cited by the submitters: PubMed 26710799; PubMed 31309983; PubMed 33417088.

NM_032638.5(GATA2):c.1180C>T (p.Gln394Ter)

Gene: GATA2 (GATA binding protein 2; minus strand). Cytogenetic location: 3q21.3.
Variant type: single nucleotide variant.
Coding change: c.1180C>T on transcript NM_032638.5 (MANE Select); coding-DNA position 1180, C replaced by T.
Protein change: p.Gln394Ter; replaces glutamine 394 with a stop codon.
Molecular consequence: nonsense.
Genome position (GRCh38, 1-based): chr3:128,481,282, G>A on the plus strand (C>T on the coding strand, the complement: GATA2 is on the minus strand). VCF-style: chr3-128481282-G-A. GRCh37 (hg19) VCF-style: chr3-128200125-G-A.
Other names: c.1180C>T, p.Gln394Ter (NM_001145661.2); c.1138C>T, p.Gln380Ter (NM_001145662.1); short protein forms Q394*, Q380*.
Identifiers: ClinVar variation 2017202 (VCV002017202.4), dbSNP rs2472919343, ClinGen allele CA354413258.